The following is an entry in ClinVar:

ClinVar aggregate classification (germline): Likely benign (0 of 4 stars; one submission).

Conditions:
SGCG-related disorder. Also called: SGCG-related condition.

Allele frequency attached by ClinVar (database versions not stated): gnomAD exomes below 0.00001.

Submission:

PreventionGenetics, part of Exact Sciences
Classification: Likely benign for SGCG-related condition. Last evaluated: 2019-06-04. Review status: no assertion criteria provided. Collection method: clinical testing. Allele origin: germline.
Comment: This variant is classified as likely benign based on ACMG/AMP sequence variant interpretation guidelines (Richards et al. 2015 PMID: 25741868, with internal and published modifications).

NM_000231.3(SGCG):c.739C>T (p.Leu247=)

Gene: SGCG (sarcoglycan gamma; plus strand). Cytogenetic location: 13q12.12.
Variant type: single nucleotide variant.
Coding change: c.739C>T on transcript NM_000231.3 (MANE Select); coding-DNA position 739, C replaced by T.
Protein change: p.Leu247=; no amino-acid change (leucine 247 retained).
Molecular consequence: synonymous variant.
Genome position (GRCh38, 1-based): chr13:23,324,404, C>T. VCF-style: chr13-23324404-C-T. GRCh37 (hg19) VCF-style: chr13-23898543-C-T.
Other names: c.793C>T, p.Leu265= (NM_001378244.1); c.739C>T, p.Leu247= (NM_001378245.1, NM_001378246.1).
Identifiers: ClinVar variation 3043832 (VCV003043832.2), dbSNP rs2542103018, ClinGen allele CA482918071.